The following is an entry in ClinVar:

ClinVar aggregate classification (germline): Uncertain significance (1 of 4 stars; one submission).

Submission:

Labcorp Genetics (formerly Invitae), Labcorp
Classification: Uncertain significance. Last evaluated: 2022-02-14. Review status: criteria provided, single submitter. Criteria: Invitae Variant Classification Sherloc (09022015). Collection method: clinical testing. Allele origin: germline.
Comment: This variant is not present in population databases (gnomAD no frequency). This sequence change replaces threonine, which is neutral and polar, with lysine, which is basic and polar, at codon 1253 of the ABCA4 protein (p.Thr1253Lys). This variant has not been reported in the literature in individuals affected with ABCA4-related conditions. Advanced modeling of protein sequence and biophysical properties (such as structural, functional, and spatial information, amino acid conservation, physicochemical variation, residue mobility, and thermodynamic stability) performed at Invitae indicates that this missense variant is not expected to disrupt ABCA4 protein function. In summary, the available evidence is currently insufficient to determine the role of this variant in disease. Therefore, it has been classified as a Variant of Uncertain Significance.

NM_000350.3(ABCA4):c.3758C>A (p.Thr1253Lys)

Genes: ABCA4 (ATP binding cassette subfamily A member 4; minus strand), LOC126805794 (BRD4-independent group 4 enhancer GRCh37_chr1:94502188-94503387; plus strand). Cytogenetic location: 1p22.1.
Variant type: single nucleotide variant.
Coding change: c.3758C>A on transcript NM_000350.3 (MANE Select); coding-DNA position 3758, C replaced by A.
Protein change: p.Thr1253Lys; replaces threonine 1253 with lysine.
Molecular consequence: missense variant.
Genome position (GRCh38, 1-based): chr1:94,037,200, G>T on the plus strand (C>A on the coding strand, the complement: ABCA4 is on the minus strand). VCF-style: chr1-94037200-G-T. GRCh37 (hg19) VCF-style: chr1-94502756-G-T.
Other names: c.3536C>A, p.Thr1179Lys (NM_001425324.1); short protein forms T1253K, T1179K.
Identifiers: ClinVar variation 2097525 (VCV002097525.4), dbSNP rs61752424, ClinGen allele CA341289023.
Genomic context (GRCh38, chr1:94,037,200, plus strand): 5'-TTTACCTCTTCCAGGGGAGTGTCAGAAATTCCAAAACTGCTGAGACCAAGGTCAGCCAGC[G>T]TCTCCTCCAGCTCTCTGAAAAGGCTGGCATATGCTCTGTGCTTGAAGTTCTTATTTGGAA-3'
Protein context (NP_000341.2, residues 1243-1263): YASLFRELEE[Thr1253Lys]LADLGLSSFG